The following is an entry in ClinVar:

ClinVar aggregate classification (germline): Conflicting classifications of pathogenicity. Review status: criteria provided, conflicting classifications (1 of 4 stars). 3 submissions from 3 submitters: Uncertain significance (1); Benign (1); Likely benign (1). Last evaluated 2026-03-23.

Conditions:
FTSJ1-related disorder. Also called: FTSJ1-related condition.
Sotos syndrome (SOTOS). Also called: CEREBRAL GIGANTISM; CHROMOSOME 5q35 DELETION SYNDROME; SOTOS SYNDROME 1; Sotos' syndrome; Distinctive facial appearance, overgrowth in childhood, and learning disabilities or delayed development. Identifiers: Orphanet 821, MedGen C0175695, MONDO:0019349, OMIM 117550.

Allele frequency attached by ClinVar (database versions not stated): gnomAD exomes 0.00010 and 0.00009; ExAC 0.00017; gnomAD 0.00033 and 0.00031; TOPMed 0.00037; 1000 Genomes Project 30x 0.00042; 1000 Genomes Project 0.00053; ESP Exome Variant Server 0.00057.
gnomAD v4.1: 135 of 1,206,978 alleles (0.011%); highest among the groups gnomAD compares: African/African-American, 0.086%; no homozygotes.

Submissions (3):

PreventionGenetics, part of Exact Sciences
Classification: Likely benign for FTSJ1-related condition. Last evaluated: 2026-03-23. Review status: criteria provided, single submitter. Criteria: ACMG Guidelines, 2015. Collection method: clinical testing. Allele origin: germline.
Comment: This variant is classified as likely benign based on ACMG/AMP sequence variant interpretation guidelines (Richards et al. 2015 PMID: 25741868, with internal and published modifications).

Labcorp Genetics (formerly Invitae), Labcorp
Classification: Benign. Last evaluated: 2026-01-28. Review status: criteria provided, single submitter. Criteria: Invitae Variant Classification Sherloc (09022015). Collection method: clinical testing. Allele origin: germline.

Cambridge Genomics Laboratory, East Genomic Laboratory Hub, NHS Genomic Medicine Service
Classification: Uncertain significance for Sotos syndrome. Last evaluated: 2020-05-14. Review status: criteria provided, single submitter. Criteria: ACGS Best Practice Guidelines for Variant Classification in Rare Disease 2020. Collection method: clinical testing. Allele origin: germline. Affected: yes. Observed: 1 variant allele.

NM_012280.4(FTSJ1):c.190G>A (p.Gly64Arg)

Gene: FTSJ1 (FtsJ RNA 2'-O-methyltransferase 1; plus strand). Cytogenetic location: Xp11.23.
Variant type: single nucleotide variant.
Coding change: c.190G>A on transcript NM_012280.4 (MANE Select); coding-DNA position 190, G replaced by A.
Protein change: p.Gly64Arg; replaces glycine 64 with arginine.
Molecular consequence: missense variant. On other transcripts: intron variant (1).
Genome position (GRCh38, 1-based): chrX:48,478,517, G>A. VCF-style: chrX-48478517-G-A. GRCh37 (hg19) VCF-style: chrX-48336905-G-A.
Other names: c.190G>A, p.Gly64Arg (NM_001441195.1, NM_001441196.1, NM_001441197.1 and 4 more transcripts); c.-76-521G>A (NM_001282157.2); short protein forms G64R.
Identifiers: ClinVar variation 748080 (VCV000748080.6), dbSNP rs148812911, ClinGen allele CA10402488.